The following is an entry in ClinVar:

ClinVar aggregate classification (germline): Pathogenic (0 of 4 stars; one submission).

Conditions:
Polycystic kidney disease. Also called: Polycystic kidney dysplasia; Kidney, Polycystic. Identifiers: MedGen C0022680, MeSH D007690, MONDO:0020642, HP:0000113.

Submission:

Department of Pathology and Laboratory Medicine, Sinai Health System
Classification: Pathogenic for Polycystic Kidney disease. Review status: no assertion criteria provided. Collection method: clinical testing. Allele origin: unknown. Affected: yes. Observed: 1 variant allele. Study: The Canadian Open Genetics Repository (COGR).
Comment: The PKD1 p.Thr2706ProfsX47 variant was identified in 2 of 556 proband chromosomes (frequency: 0.004) from individuals or families with ADPKD (Rossetti 2003, Hwang 2016). The variant was also identified in ADPKD Mutation Database (classified as definitely pathogenic). The variant was not identified in dbSNP, ClinVar, ClinVar, GeneInsight-COGR, LOVD 3.0, PKD1-LOVD, databases. The variant was not identified in the 1000 Genomes Project, the NHLBI GO Exome Sequencing Project or the Exome Aggregation Consortium (August 8th 2016) control databases. The c.8116_8125del variant is predicted to cause a frameshift, which alters the protein amino acid sequence beginning at codon 2706 and leads to a premature stop codon at position 2752. This alteration is then predicted to result in a truncated or absent protein and loss of function. Loss of function variants of the PKD1 gene are an established mechanism of disease in ADPKD and is the type of variant expected to cause the disorder. In summary, based on the above information, this variant meets our laboratoryâ€šÃ„Ã´s criteria to be classified as pathogenic.

NM_001009944.3(PKD1):c.8116_8125del (p.Thr2706fs)

Gene: PKD1 (polycystin 1, transient receptor potential channel interacting; minus strand). Cytogenetic location: 16p13.3.
Variant type: Deletion.
Coding change: c.8116_8125del on transcript NM_001009944.3 (MANE Select); coding-DNA positions 8116 to 8125, 10 bases deleted (ACCGTGACGC; older notation c.8116_8125delACCGTGACGC).
Protein change: p.Thr2706fs; shifts the reading frame from threonine 2706.
Molecular consequence: frameshift variant.
Genome position (GRCh38, 1-based): chr16:2,104,534-2,104,543, GCGTCACGGT deleted on the plus strand (ACCGTGACGC on the coding strand, the reverse complement: PKD1 is on the minus strand); deleting any 10 consecutive bases within chr16:2,104,534-2,104,545 gives the same sequence; the c. name uses the placement nearest the transcript's 3' end. VCF-style (leftmost placement, unchanged base first): chr16-2104533-GGCGTCACGGT-G. GRCh37 (hg19) VCF-style: chr16-2154534-GGCGTCACGGT-G.
Other names: c.8116_8125del, p.Thr2706fs (NM_000296.4); short protein forms T2706fs.
Identifiers: ClinVar variation 997374 (VCV000997374.1), dbSNP rs2092260381, ClinGen allele CA2202026721.